The following is an entry in ClinVar:

ClinVar aggregate classification (germline): Conflicting classifications of pathogenicity. Review status: criteria provided, conflicting classifications (1 of 4 stars). 4 submissions from 4 submitters: Uncertain significance (3); Likely benign (1). Last evaluated 2025-10-01.

Conditions:
Hereditary breast ovarian cancer syndrome. Also called: Breast and ovarian cancer; Hereditary breast and/or ovarian cancer syndrome; BRCA1- and BRCA2-Associated Hereditary Breast and Ovarian Cancer; Hereditary breast and ovarian cancer syndrome; Hereditary breast and ovarian cancer syndrome (HBOC); Hereditary breast and ovarian cancer. Identifiers: Orphanet 145, MedGen C0677776, MeSH D061325, MONDO:0003582. Disease mechanism: loss of function.
Breast-ovarian cancer, familial, susceptibility to, 1 (BROVCA1). Also called: BRCA1 Hereditary Breast and Ovarian Cancer; OVARIAN CANCER, SUSCEPTIBILITY TO. Identifiers: Orphanet 145, MedGen C2676676, MONDO:0011450, OMIM 604370. Disease mechanism: loss of function.
Hereditary cancer-predisposing syndrome. Also called: Tumor predisposition; Hereditary Cancer Syndrome; Hereditary neoplastic syndrome; Neoplastic Syndromes, Hereditary. Identifiers: Orphanet 140162, MedGen C0027672, MeSH D009386, MONDO:0015356.

Allele frequency attached by ClinVar (database versions not stated): ExAC 0.00001; gnomAD exomes 0.00001.
gnomAD v4.1: 13 of 1,600,926 alleles (0.00081%); highest among the groups gnomAD compares: South Asian, 0.014%; no homozygotes.

Submissions (5):

Ambry Genetics
Classification: Uncertain significance for Hereditary cancer-predisposing syndrome. Last evaluated: 2025-10-01. Review status: criteria provided, single submitter. Criteria: Ambry Variant Classification Scheme 2023. Collection method: clinical testing. Allele origin: germline.
Comment: The p.K65E variant (also known as c.193A>G), located in coding exon 3 of the BRCA1 gene, results from an A to G substitution at nucleotide position 193. The lysine at codon 65 is replaced by glutamic acid, an amino acid with similar properties. This amino acid position is highly conserved in available vertebrate species. In addition, this alteration is predicted to be deleterious by in silico analysis. Since supporting evidence is limited at this time, the clinical significance of this alteration remains unclear.

Lupski Lab, Baylor-Hopkins CMG, Baylor College of Medicine
Classification: Likely benign for Breast-ovarian cancer, familial, susceptibility to, 1. Last evaluated: 2024-04-12. Review status: criteria provided, single submitter. Criteria: Dawood et al. (medRxiv. 2024). Collection method: curation. Allele origin: germline.
Comment: Each variant was annotated with functional scores from MAVE data which was translated into functional evidence codes. All other evidence codes and combining criteria were adhered to as closely as possible based on the ClinGen VCEP (Variant Curation Expert Panel) gene-specific recommendations. See Supplemental Figure 34 of final paper (Supp Fig. 28 in preprint: doi:10.1101/2024.04.11.24305690) for a table to see which lines of evidence we did not have data for. The ClinGen VCEPs are highly regarded as the gold-standard for gene-specific variant curation and are developed after extensive evaluation of the evidence by clinical and scientific experts for the particular gene to classify genomic variants on a spectrum from pathogenic to benign using the 2015 ACMG/AMP Variant Interpretation Guidelines as a backbone (PMID: 25741868). Reclassification of these VUS variants from gnomAD or All of Us focused only on variants originally prescribed as VUS in ClinVar. To ensure reproducibility, transparency, and increased throughput, all the procedures for annotating variants and assigning evidence codes were codified using Python. All code has been made freely available and is linked in the Code Availability section and all reclassified variants with evidence codes used can be found in Tables S18-19 (preprint: doi:10.1101/2024.04.11.24305690). For the MAVE data, the clinical curation and clinical strength assignment as per the ClinGen recommendations in Brnich et al. (2020) (PMID: 31892348) for or against pathogenicity or benignity of each of these MAVE datasets utilized in this study were previously published in Fayer et al. (2021) (PMID: 34793697).In brief, for BRCA1 variants, if a variant was categorized as FUNC (functional), it was assigned BS3 evidence and no PS3 evidence, whereas if it was categorized as LOF (loss of function), the variant was assigned PS3 evidence and no BS3 evidence. Variants categorized as INT (intermediate) were left unannotated. For the BRCA1 combining criteria, greater than or equal to 1 criteria of strong benign evidence was enough to reclassify the VUS as Likely Benign. This variant GRCh37:17:41258492:T>C was assigned evidence codes ['BS3'] and an overall classification of Likely Benign

Labcorp Genetics (formerly Invitae), Labcorp
Classification: Uncertain significance for Hereditary breast ovarian cancer syndrome. Last evaluated: 2023-09-11. Review status: criteria provided, single submitter. Criteria: Invitae Variant Classification Sherloc (09022015). Collection method: clinical testing. Allele origin: germline.
Comment: Algorithms developed to predict the effect of sequence changes on RNA splicing suggest that this variant may disrupt the consensus splice site. In summary, the available evidence is currently insufficient to determine the role of this variant in disease. Therefore, it has been classified as a Variant of Uncertain Significance. Experimental studies have shown that this missense change does not substantially affect BRCA1 function (PMID: 30209399, 32741062). Advanced modeling performed at Invitae incorporating data from internal and/or published experimental studies (PMID: 30209399) indicates that this missense variant is not expected to disrupt BRCA1 function. ClinVar contains an entry for this variant (Variation ID: 531303). This variant has not been reported in the literature in individuals affected with BRCA1-related conditions. This variant is present in population databases (rs756948486, gnomAD 0.01%). This sequence change replaces lysine, which is basic and polar, with glutamic acid, which is acidic and polar, at codon 65 of the BRCA1 protein (p.Lys65Glu).

Women's Health and Genetics/Laboratory Corporation of America, LabCorp
Classification: Uncertain significance. Last evaluated: 2022-12-12. Review status: criteria provided, single submitter. Criteria: LabCorp Variant Classification Summary - May 2015. Collection method: clinical testing. Allele origin: germline.
Comment: Variant summary: BRCA1 c.193A>G (p.Lys65Glu) results in a conservative amino acid change located in the Zinc finger, RING-type domain (IPR001841) of the encoded protein sequence. Three of five in-silico tools predict a damaging effect of the variant on protein function. 4/4 computational tools predict no significant impact on normal splicing. A cell-based mini gene assay showed the variant to result in increased exon inclusion (Tubeuf_2020). The variant allele was found at a frequency of 1.2e-05 in 250618 control chromosomes. The available data on variant occurrences in the general population are insufficient to allow any conclusion about variant significance. To our knowledge, no occurrence of c.193A>G in individuals affected with Hereditary Breast And Ovarian Cancer Syndrome has been reported. At least one functional study reports experimental evidence evaluating an impact on protein function and showed no damaging effect of this variant on homology directed repair (HDR) activity (e.g. Findlay_2018). HDR assays qualify as a recognized gold standard on the basis of updated guidance provided by the ClinGen Sequence Variant Interpretation (SVI) working group. Two clinical diagnostic laboratories have submitted clinical-significance assessments for this variant to ClinVar after 2014 without evidence for independent evaluation. All laboratories classified the variant as uncertain significance. Based on the evidence outlined above, the variant was classified as VUS - possibly benign.

Brotman Baty Institute, University of Washington
No classification provided (evidence only). Condition: Breast-ovarian cancer, familial 1. Review status: no classification provided. Collection method: in vitro. Allele origin: not applicable. Functional consequence: functionally_normal. Not counted in ClinVar's aggregate classification.
ClinVar note: "not provided" was previously submitted as the classification for the variant. However, the classification appeared to be based only on an observation of functional data so it was converted to no classification on 2025-07-30.

Literature cited by the submitters: PubMed 39142283 (cited by Lupski Lab, Baylor-Hopkins CMG, Baylor College of Medicine); PubMed 34793697 (cited by Lupski Lab, Baylor-Hopkins CMG, Baylor College of Medicine); DOI 10.1101/2024.04.11.24305690 (cited by Lupski Lab, Baylor-Hopkins CMG, Baylor College of Medicine); PubMed 30209399 (cited by Labcorp Genetics (formerly Invitae), Labcorp and Women's Health and Genetics/Laboratory Corporation of America, LabCorp); PubMed 32741062 (cited by Labcorp Genetics (formerly Invitae), Labcorp and Women's Health and Genetics/Laboratory Corporation of America, LabCorp).

NM_007294.4(BRCA1):c.193A>G (p.Lys65Glu)

Gene: BRCA1 (BRCA1 DNA repair associated; minus strand). Cytogenetic location: 17q21.31.
Variant type: single nucleotide variant.
Coding change: c.193A>G on transcript NM_007294.4 (MANE Select); coding-DNA position 193, A replaced by G.
Protein change: p.Lys65Glu; replaces lysine 65 with glutamic acid.
Molecular consequence: missense variant.
Genome position (GRCh38, 1-based): chr17:43,106,475, T>C on the plus strand (A>G on the coding strand, the complement: BRCA1 is on the minus strand). VCF-style: chr17-43106475-T-C. GRCh37 (hg19) VCF-style: chr17-41258492-T-C.
Other names: c.193A>G, p.Lys65Glu (NM_001408429.1, NM_001408430.1, NM_001408431.1 and 168 more transcripts); c.52A>G, p.Lys18Glu (NM_001408452.1, NM_001408453.1, NM_001408454.1 and 99 more transcripts); short protein forms K65E, K18E.
Identifiers: ClinVar variation 531303 (VCV000531303.19), dbSNP rs756948486, ClinGen allele CA054758.
Genomic context (GRCh38, chr17:43,106,475, plus strand): 5'-TGTGGTTGCTTCCAACCTAGCATCATTACCAAATTATATACCTTTTGGTTATATCATTCT[T>C]ACATAAAGGACACTGTGAAGGCCCTTTCTTCTGGTTGAGAAGTTTCAGCATGCAAAATCT-3'
Protein context (NP_009225.1, residues 55-75): KKGPSQCPLC[Lys65Glu]NDITKRSLQE